The following is an entry in ClinVar:

NM_001365276.2(TNXB):c.4535_4552del (p.Asp1512_Val1517del)

Gene: TNXB (tenascin XB; minus strand). Cytogenetic location: 6p21.33.
Variant type: Deletion.
Coding change: c.4535_4552del on transcript NM_001365276.2 (MANE Select); coding-DNA positions 4535 to 4552, 18 bases deleted (ACGGGCAGCCCCAGGTGG).
Protein change: p.Asp1512_Val1517del.
Molecular consequence: inframe deletion.
Genome position (GRCh38, 1-based): chr6:32,073,776-32,073,793, CCACCTGGGGCTGCCCGT deleted on the plus strand (ACGGGCAGCCCCAGGTGG on the coding strand, the reverse complement: TNXB is on the minus strand); deleting any 18 consecutive bases within chr6:32,073,776-32,073,795 gives the same sequence; the c. name uses the placement nearest the transcript's 3' end. VCF-style (leftmost placement, unchanged base first): chr6-32073775-ACCACCTGGGGCTGCCCGT-A. GRCh37 (hg19) VCF-style: chr6-32041552-ACCACCTGGGGCTGCCCGT-A.
Other names: p.Asp1512_Val1517del; c.4535_4552del, p.Asp1512_Val1517del (NM_019105.8); c.4535_4552del18 (NM_019105.6).
Identifiers: ClinVar variation 1210643 (VCV001210643.9), dbSNP rs774779027, ClinGen allele CA3734930.
Genomic context (GRCh38, chr6:32,073,775, plus strand): 5'-TATTTTCTCTCAGGCTCCAGGTTGTAGACTGTGACCTCTCGCTGGTCTGCCGCCACCGGC[ACCACCTGGGGCTGCCCGT>A]CCTTGTCCTTGTACTGGACTATGAAGGAGTCAAACTGGCCCTCGGGGACTGTCCAGGAGA-3'

ClinVar aggregate classification (germline): Uncertain significance. Review status: criteria provided, multiple submitters, no conflicts (2 of 4 stars). 3 submissions from 3 submitters: Uncertain significance (3). Last evaluated 2025-11-29.

Conditions:
Cardiovascular phenotype. Identifiers: MedGen CN230736.

Submissions (3):

Mayo Clinic Laboratories, Mayo Clinic
Classification: Uncertain significance. Last evaluated: 2025-11-29. Review status: criteria provided, single submitter. Criteria: ACMG Guidelines, 2015. Collection method: clinical testing. Allele origin: germline. Observed: 1 variant allele.

GeneDx
Classification: Uncertain significance. Last evaluated: 2025-10-03. Review status: criteria provided, single submitter. Criteria: GeneDx Variant Classification Process June 2021. Collection method: clinical testing. Allele origin: germline. Affected: yes.
Comment: Identified in a patient with systemic lupus erythematosus (SLE) in published literature (PMID: 38263665); In-frame deletion of 6 amino acids in a non-repeat region; In silico analysis suggests that this variant does not alter protein structure/function; This variant is associated with the following publications: (PMID: 40650310, 33749658, 38263665, Moore2024[preprint])

Ambry Genetics
Classification: Uncertain significance for Cardiovascular phenotype. Last evaluated: 2025-06-17. Review status: criteria provided, single submitter. Criteria: Ambry Variant Classification Scheme 2023. Collection method: clinical testing. Allele origin: germline.
Comment: The c.4535_4552del18 variant (also known as p.D1512_V1517del) is located in coding exon 11 of the TNXB gene. This variant results from an in-frame ACGGGCAGCCCCAGGTGG deletion at nucleotide positions 4535 to 4552. This results in the in-frame deletion of 6 amino acids (DGQPQV) between codons 1512 and 1517. This amino acid region is not well conserved in available vertebrate species. In addition, this alteration is predicted to be deleterious by in silico analysis (Choi Y et al. PLoS ONE. 2012; 7(10):e46688). Since supporting evidence is limited at this time, the clinical significance of this alteration remains unclear.

Literature cited by the submitters: PubMed 40650310 (cited by Mayo Clinic Laboratories, Mayo Clinic).